The following is an entry in ClinVar:

NM_020975.6(RET):c.877G>A (p.Val293Met)

Gene: RET (ret proto-oncogene; plus strand). Cytogenetic location: 10q11.21.
Variant type: single nucleotide variant.
Coding change: c.877G>A on transcript NM_020975.6 (MANE Select); coding-DNA position 877, G replaced by A.
Protein change: p.Val293Met; replaces valine 293 with methionine.
Molecular consequence: missense variant. On other transcripts: intron variant (25).
Genome position (GRCh38, 1-based): chr10:43,106,385, G>A. VCF-style: chr10-43106385-G-A. GRCh37 (hg19) VCF-style: chr10-43601833-G-A.
Other names: c.877G>A, p.Val293Met (NM_000323.2, NM_001406743.1, NM_001406744.1 and 6 more transcripts); c.115G>A, p.Val39Met (NM_001355216.2); c.748G>A, p.Val250Met (NM_001406761.1, NM_001406762.1, NM_001406764.1 and 1 more transcripts); c.589G>A, p.Val197Met (NM_001406766.1, NM_001406767.1, NM_001406770.1); c.867+1192G>A (NM_001406772.1, NM_001406769.1); c.626-2646G>A (NM_001406773.1, NM_001406771.1); c.625+3756G>A (NM_001406782.1, NM_001406780.1, NM_001406779.1 and 3 more transcripts); c.738+1192G>A (NM_001406774.1); and 5 more; short protein forms V197M, V250M, V293M, V39M.
Identifiers: ClinVar variation 3227574 (VCV003227574.1), dbSNP rs1837775749, ClinGen allele CA376545649.

ClinVar aggregate classification (germline): Uncertain significance (1 of 4 stars; one submission).

Conditions:
Hereditary cancer-predisposing syndrome. Also called: Neoplastic Syndromes, Hereditary; Tumor predisposition; Hereditary neoplastic syndrome; Hereditary Cancer Syndrome. Identifiers: Orphanet 140162, MedGen C0027672, MeSH D009386, MONDO:0015356.

Allele frequency attached by ClinVar (database versions not stated): gnomAD 0.00001.

Submission:

Ambry Genetics
Classification: Uncertain significance for Hereditary cancer-predisposing syndrome. Last evaluated: 2023-12-29. Review status: criteria provided, single submitter. Criteria: Ambry Variant Classification Scheme 2023. Collection method: clinical testing. Allele origin: germline.
Comment: The p.V293M variant (also known as c.877G>A), located in coding exon 5 of the RET gene, results from a G to A substitution at nucleotide position 877. The valine at codon 293 is replaced by methionine, an amino acid with highly similar properties. This amino acid position is conserved. In addition, this alteration is predicted to be tolerated by in silico analysis. Since supporting evidence is limited at this time, the clinical significance of this alteration remains unclear.